The following is an entry in ClinVar:

NM_020800.3(IFT80):c.1287A>G (p.Ile429Met)

Genes: TRIM59-IFT80 (TRIM59-IFT80 readthrough (NMD candidate); minus strand), IFT80 (intraflagellar transport 80; minus strand). Cytogenetic location: 3q25.33.
Variant type: single nucleotide variant.
Coding change: c.1287A>G on transcript NM_020800.3 (MANE Select); coding-DNA position 1287, A replaced by G.
Protein change: p.Ile429Met; replaces isoleucine 429 with methionine.
Molecular consequence: missense variant. On other transcripts: non-coding transcript variant (3).
Genome position (GRCh38, 1-based): chr3:160,300,911, T>C on the plus strand (A>G on the coding strand, the complement: IFT80 is on the minus strand). VCF-style: chr3-160300911-T-C. GRCh37 (hg19) VCF-style: chr3-160018699-T-C.
Other names: c.876A>G, p.Ile292Met (NM_001190241.2, NM_001190242.2); short protein forms I429M, I292M.
Identifiers: ClinVar variation 2048796 (VCV002048796.4), dbSNP rs2473184511, ClinGen allele CA355193533.
Genomic context (GRCh38, chr3:160,300,911, plus strand): 5'-TTTGACAGGAAAAATTATAAAAATATACTTACTTTTTTCATCAGCTTTGTCTCTTATTGC[T>C]ATGGTATCATTACTCAAAGACACAGTCTGTGCATTCAGAATATCTGTTCTCATTCCAGGA-3'
Protein context (NP_065851.1, residues 419-439): AQTVSLSNDT[Ile429Met]AIRDKADEKI

ClinVar aggregate classification (germline): Uncertain significance (1 of 4 stars; one submission).

Conditions:
Jeune thoracic dystrophy. Also called: Jeune syndrome; Infantile thoracic dystrophy; Thoracic pelvic phalangeal dystrophy; Jeune's syndrome; Chondroectodermal dysplasia-like syndrome; Short-rib thoracic dysplasia. Identifiers: Orphanet 474, MedGen C0265275, MONDO:0018770.

Submission:

Labcorp Genetics (formerly Invitae), Labcorp
Classification: Uncertain significance for Jeune thoracic dystrophy. Last evaluated: 2022-01-05. Review status: criteria provided, single submitter. Criteria: Invitae Variant Classification Sherloc (09022015). Collection method: clinical testing. Allele origin: germline.
Comment: In summary, the available evidence is currently insufficient to determine the role of this variant in disease. Therefore, it has been classified as a Variant of Uncertain Significance. Algorithms developed to predict the effect of missense changes on protein structure and function (SIFT, PolyPhen-2, Align-GVGD) all suggest that this variant is likely to be tolerated. This variant has not been reported in the literature in individuals affected with IFT80-related conditions. This variant is not present in population databases (gnomAD no frequency). This sequence change replaces isoleucine, which is neutral and non-polar, with methionine, which is neutral and non-polar, at codon 429 of the IFT80 protein (p.Ile429Met).